The following is an entry in ClinVar:

ClinVar aggregate classification (germline): Uncertain significance (1 of 4 stars; one submission).

Conditions:
Metachromatic leukodystrophy (MLD). Also called: Cerebral sclerosis diffuse metachromatic form; Arylsulfatase A Deficiency; METACHROMATIC LEUKOENCEPHALOPATHY; SULFATIDE LIPIDOSIS; ARSA DEFICIENCY; CEREBROSIDE SULFATASE DEFICIENCY. Identifiers: Orphanet 512, MedGen C0023522, MONDO:0018868, OMIM 250100.

gnomAD v4.1: 1 of 1,613,066 alleles (0.000062%); highest among the groups gnomAD compares: Middle Eastern, 0.016%; no homozygotes.

Submission:

3billion
Classification: Uncertain significance for Metachromatic leukodystrophy. Last evaluated: 2024-01-19. Review status: criteria provided, single submitter. Criteria: ACMG Guidelines, 2015. Collection method: clinical testing. Allele origin: germline. Affected: yes.
Comment: The variant is not observed in the gnomAD v2.1.1 dataset. Predicted Consequence/Location: Missense variant In silico tool predictions suggest damaging effect of the variant on gene or gene product [REVEL: 0.70 (>=0.6, sensitivity 0.68 and specificity 0.92); 3Cnet: 0.61 (>=0.6, sensitivity 0.72 and precision 0.9)]. Therefore, this variant is classified as VUS according to the recommendation of ACMG/AMP guideline.

NM_000487.6(ARSA):c.558C>G (p.Asn186Lys)

Gene: ARSA (arylsulfatase A; minus strand). Cytogenetic location: 22q13.33.
Variant type: single nucleotide variant.
Coding change: c.558C>G on transcript NM_000487.6 (MANE Select); coding-DNA position 558, C replaced by G.
Protein change: p.Asn186Lys; replaces asparagine 186 with lysine.
Molecular consequence: missense variant.
Genome position (GRCh38, 1-based): chr22:50,626,960, G>C on the plus strand (C>G on the coding strand, the complement: ARSA is on the minus strand). VCF-style: chr22-50626960-G-C. GRCh37 (hg19) VCF-style: chr22-51065388-G-C.
Other names: c.558C>G, p.Asn186Lys (NM_001085425.3, NM_001085426.3, NM_001085427.3); c.300C>G, p.Asn100Lys (NM_001085428.3, NM_001362782.2); short protein forms N100K, N186K.
Identifiers: ClinVar variation 3776217 (VCV003776217.1).